The following is an entry in ClinVar:

NM_001298.3(CNGA3):c.110C>T (p.Ser37Leu)

Gene: CNGA3 (cyclic nucleotide gated channel subunit alpha 3; plus strand). Cytogenetic location: 2q11.2.
Variant type: single nucleotide variant.
Coding change: c.110C>T on transcript NM_001298.3 (MANE Select); coding-DNA position 110, C replaced by T.
Protein change: p.Ser37Leu; replaces serine 37 with leucine.
Molecular consequence: missense variant.
Genome position (GRCh38, 1-based): chr2:98,377,695, C>T. VCF-style: chr2-98377695-C-T. GRCh37 (hg19) VCF-style: chr2-98994158-C-T.
Other names: c.110C>T, p.Ser37Leu (NM_001079878.2); short protein forms S37L.
Identifiers: ClinVar variation 74757 (VCV000074757.16), dbSNP rs141086649, ClinGen allele CA1793578.

ClinVar aggregate classification (germline): Conflicting classifications of pathogenicity. Review status: criteria provided, conflicting classifications (1 of 4 stars). 5 submissions from 5 submitters: Uncertain significance (2); Likely benign (3). Last evaluated 2026-01-28.

Conditions:
CNGA3-related retinopathy. Identifiers: MedGen CN315672, MONDO:0800102.
CNGA3-related disorder. Also called: CNGA3-related condition.
Achromatopsia 2 (ACHM2). Also called: COLORBLINDNESS, TOTAL; ROD MONOCHROMACY 2; ROD MONOCHROMATISM 2. Identifiers: Orphanet 49382, MedGen C1857618, MONDO:0009003, OMIM 216900.

Allele frequency attached by ClinVar (database versions not stated): gnomAD 0.00016 and 0.00018; ExAC 0.00021; gnomAD exomes 0.00022; ESP Exome Variant Server 0.00008; TOPMed 0.00014.
gnomAD v4.1: 210 of 1,613,034 alleles (0.013%); highest among the groups gnomAD compares: Middle Eastern, 0.018%; no homozygotes.

Submissions (5):

Labcorp Genetics (formerly Invitae), Labcorp
Classification: Likely benign. Last evaluated: 2026-01-28. Review status: criteria provided, single submitter. Criteria: Invitae Variant Classification Sherloc (09022015). Collection method: clinical testing. Allele origin: germline.

PreventionGenetics, part of Exact Sciences
Classification: Likely benign for CNGA3-related condition. Last evaluated: 2024-11-22. Review status: criteria provided, single submitter. Criteria: ACMG Guidelines, 2015. Collection method: clinical testing. Allele origin: germline.
Comment: This variant is classified as likely benign based on ACMG/AMP sequence variant interpretation guidelines (Richards et al. 2015 PMID: 25741868, with internal and published modifications).

Blueprint Genetics
Classification: Likely benign. Last evaluated: 2024-11-04. Review status: criteria provided, single submitter. Criteria: ACMG Guidelines, 2015. Collection method: clinical testing. Allele origin: germline.

Department of Pathology and Laboratory Medicine, Sinai Health System
Classification: Uncertain significance for CNGA3-related retinopathy. Last evaluated: 2021-09-17. Review status: criteria provided, single submitter. Criteria: ACMG Guidelines, 2015. Collection method: research. Allele origin: germline.

Illumina Laboratory Services, Illumina
Classification: Uncertain significance for Achromatopsia 2. Last evaluated: 2018-01-12. Review status: criteria provided, single submitter. Criteria: ICSL Variant Classification Criteria 13 December 2019. Collection method: clinical testing. Allele origin: germline.